The following is an entry in ClinVar:

NM_001369.3(DNAH5):c.7387C>T (p.Gln2463Ter)

Gene: DNAH5 (dynein axonemal heavy chain 5; minus strand). Cytogenetic location: 5p15.2.
Variant type: single nucleotide variant.
Coding change: c.7387C>T on transcript NM_001369.3 (MANE Select); coding-DNA position 7387, C replaced by T.
Protein change: p.Gln2463Ter; replaces glutamine 2463 with a stop codon.
Molecular consequence: nonsense.
Genome position (GRCh38, 1-based): chr5:13,811,667, G>A on the plus strand (C>T on the coding strand, the complement: DNAH5 is on the minus strand). VCF-style: chr5-13811667-G-A. GRCh37 (hg19) VCF-style: chr5-13811776-G-A.
Other names: short protein forms Q2463*.
Identifiers: ClinVar variation 5010810 (VCV005010810.1).

ClinVar aggregate classification (germline): Pathogenic (1 of 4 stars; one submission).

Conditions:
Primary ciliary dyskinesia 3. Identifiers: Orphanet 244, MedGen C1837618, MONDO:0012085, OMIM 608644.

gnomAD v4.1: 2 of 1,614,100 alleles (0.00012%); highest among the groups gnomAD compares: Middle Eastern, 0.017%; no homozygotes.

Submission:

Myriad Genetics, Inc.
Classification: Pathogenic for Primary ciliary dyskinesia 3. Last evaluated: 2024-05-14. Review status: criteria provided, single submitter. Criteria: Myriad Autosomal Dominant, Autosomal Recessive and X-Linked Classification Criteria (2023). Collection method: clinical testing. Allele origin: unknown.
Comment: NM_001369.2(DNAH5):c.7387C>T(Q2463*) is expected to be pathogenic in the context of primary ciliary dyskinesia, DNAH5-related. This variant is predicted to lead to an abnormal or absent protein product due to the creation of a premature termination codon in DNAH5, a gene where loss-of-function variants are known to be pathogenic. Please note: this variant was assessed in the context of healthy population screening.